The following is an entry in ClinVar:

ClinVar aggregate classification (germline): Uncertain significance (1 of 4 stars; one submission).

Allele frequency attached by ClinVar (database versions not stated): gnomAD exomes 0.00004.

Submission:

Labcorp Genetics (formerly Invitae), Labcorp
Classification: Uncertain significance. Last evaluated: 2024-10-12. Review status: criteria provided, single submitter. Criteria: Invitae Variant Classification Sherloc (09022015). Collection method: clinical testing. Allele origin: germline.
Comment: This sequence change replaces arginine, which is basic and polar, with glycine, which is neutral and non-polar, at codon 139 of the ALPK3 protein (p.Arg139Gly). The frequency data for this variant in the population databases is considered unreliable, as metrics indicate poor data quality at this position in the gnomAD database. This variant has not been reported in the literature in individuals affected with ALPK3-related conditions. ClinVar contains an entry for this variant (Variation ID: 1521265). An algorithm developed to predict the effect of missense changes on protein structure and function (PolyPhen-2) suggests that this variant is likely to be tolerated. In summary, the available evidence is currently insufficient to determine the role of this variant in disease. Therefore, it has been classified as a Variant of Uncertain Significance.

NC_000015.10:g.84817261C>G

Gene: ALPK3 (alpha kinase 3; plus strand). Cytogenetic location: 15q25.3.
Variant type: single nucleotide variant.
Genome position: GRCh38 VCF-style: chr15-84817261-C-G. GRCh37 (hg19) VCF-style: chr15-85360492-C-G.
Identifiers: ClinVar variation 1521265 (VCV001521265.6), dbSNP rs992295669, ClinGen allele CA273650977.